The following is an entry in ClinVar:

ClinVar aggregate classification (germline): Uncertain significance (1 of 4 stars; one submission).

Conditions:
RP1L1-related disorder. Also called: RP1L1-related condition.

gnomAD v4.1: 2 of 1,613,638 alleles (0.00012%); highest among the groups gnomAD compares: Admixed American, 0.0017%; no homozygotes.

Submission:

PreventionGenetics, part of Exact Sciences
Classification: Uncertain significance for RP1L1-related condition. Last evaluated: 2024-12-27. Review status: criteria provided, single submitter. Criteria: ACMG Guidelines, 2015. Collection method: clinical testing. Allele origin: germline.
Comment: The RP1L1 c.5005C>T variant is predicted to result in the amino acid substitution p.Pro1669Ser. To our knowledge, this variant has not been reported in the literature. This variant is reported in 0.00088% of alleles in individuals of European (Non-Finnish) descent in gnomAD. At this time, the clinical significance of this variant is uncertain due to the absence of conclusive functional and genetic evidence.

NM_178857.6(RP1L1):c.5005C>T (p.Pro1669Ser)

Gene: RP1L1 (RP1 like 1). Cytogenetic location: 8p23.1.
Variant type: single nucleotide variant.
Coding change: c.5005C>T on transcript NM_178857.6 (MANE Select); coding-DNA position 5005, C replaced by T.
Protein change: p.Pro1669Ser; replaces proline 1669 with serine.
Molecular consequence: missense variant.
Genome position (GRCh38, 1-based): chr8:10,609,093, G>A on the plus strand (C>T on the coding strand, the complement: RP1L1 is on the minus strand). VCF-style: chr8-10609093-G-A. GRCh37 (hg19) VCF-style: chr8-10466603-G-A.
Other names: short protein forms P1669S.
Identifiers: ClinVar variation 4990346 (VCV004990346.1).